The following is an entry in ClinVar:

NM_175914.5(HNF4A):c.319+10G>A

Gene: HNF4A (hepatocyte nuclear factor 4 alpha; plus strand). Cytogenetic location: 20q13.12.
Variant type: single nucleotide variant.
Coding change: c.319+10G>A on transcript NM_175914.5 (MANE Select); 10 bases into the intron after coding-DNA position 319, G replaced by A.
Molecular consequence: intron variant.
Genome position (GRCh38, 1-based): chr20:44,407,485, G>A. VCF-style: chr20-44407485-G-A. GRCh37 (hg19) VCF-style: chr20-43036125-G-A.
Other names: c.310+10G>A (NM_001287182.2, NM_001287183.2, NM_001287184.2); c.319+10G>A (NM_001030003.3, NM_001030004.3); c.364+10G>A (NM_001258355.2); c.385+10G>A (NM_178849.3, NM_000457.6, NM_178850.3).
Identifiers: ClinVar variation 735965 (VCV000735965.4), dbSNP rs375708199, ClinGen allele CA9870209.
Genomic context (GRCh38, chr20:44,407,485, plus strand): 5'-GCCGCTACTGCAGGCTCAAGAAATGCTTCCGGGCTGGCATGAAGAAGGAAGGTGAGCCTC[G>A]GCCCTCCCCGCCCCACCACCACTGCCCCACCTGCACCCACAGCTCCCCGACAGTCATTTA-3'

ClinVar aggregate classification (germline): Benign/Likely benign. Review status: criteria provided, multiple submitters, no conflicts (2 of 4 stars). 2 submissions from 2 submitters: Benign (1); Likely benign (1). Last evaluated 2018-03-06.

Conditions:
Maturity-onset diabetes of the young (MODY). Also called: Maturity onset diabetes mellitus in young. Identifiers: Orphanet 552, MedGen C0342276, MONDO:0018911, HP:0004904.

Allele frequency attached by ClinVar (database versions not stated): gnomAD exomes below 0.00001 and 0.00001; gnomAD 0.00002; TOPMed 0.00002; ExAC 0.00005; ESP Exome Variant Server 0.00008.
gnomAD v4.1: 7 of 1,564,758 alleles (0.00045%); highest among the groups gnomAD compares: Middle Eastern, 0.017%; no homozygotes.

Submissions (2):

Labcorp Genetics (formerly Invitae), Labcorp
Classification: Likely benign. Last evaluated: 2018-03-06. Review status: criteria provided, single submitter. Criteria: Invitae Variant Classification Sherloc (09022015). Collection method: clinical testing. Allele origin: germline.

Clinical Genomics, Uppaluri K&H Personalized Medicine Clinic
Classification: Benign for Maturity-onset diabetes of the young. Review status: criteria provided, single submitter. Criteria: K & H Uppaluri Personalized Medicine Clinic Variant Classification & Assertion Criteria_Updated V.1. Collection method: research. Allele origin: unknown. Inheritance: Autosomal dominant inheritance.
Comment: Potent mutations in HNF4A are associated with poor insulin secretion in response to hyperglycemia. Associated with MODY1. Patients initially respond well to sulfonylureas but eventually become insulin dependent. However, more evidence is required to ascertain the role of this particular variant rs375708199 in MODY, yet.

Literature cited by the submitters: DOI 10.1159/000334532 (cited by Clinical Genomics, Uppaluri K&H Personalized Medicine Clinic); PubMed 18268044 (cited by Clinical Genomics, Uppaluri K&H Personalized Medicine Clinic); PubMed 17563455 (cited by Clinical Genomics, Uppaluri K&H Personalized Medicine Clinic); PubMed 32583173 (cited by Clinical Genomics, Uppaluri K&H Personalized Medicine Clinic); PubMed 35052457 (cited by Clinical Genomics, Uppaluri K&H Personalized Medicine Clinic); PubMed 35118593 (cited by Clinical Genomics, Uppaluri K&H Personalized Medicine Clinic).